The following is an entry in ClinVar:

NM_000179.3(MSH6):c.3000G>T (p.Lys1000Asn)

Gene: MSH6 (mutS homolog 6; plus strand). Cytogenetic location: 2p16.3.
Variant type: single nucleotide variant.
Coding change: c.3000G>T on transcript NM_000179.3 (MANE Select); coding-DNA position 3000, G replaced by T.
Protein change: p.Lys1000Asn; replaces lysine 1000 with asparagine.
Molecular consequence: missense variant.
Genome position (GRCh38, 1-based): chr2:47,800,983, G>T. VCF-style: chr2-47800983-G-T. GRCh37 (hg19) VCF-style: chr2-48028122-G-T.
Other names: c.2610G>T, p.Lys870Asn (NM_001281492.2); c.2094G>T, p.Lys698Asn (NM_001281493.2, NM_001281494.2, NM_001406811.1 and 6 more transcripts); c.3096G>T, p.Lys1032Asn (NM_001406795.1, NM_001406802.1); c.3000G>T, p.Lys1000Asn (NM_001406796.1, NM_001406798.1, NM_001406800.1 and 2 more transcripts); c.2703G>T, p.Lys901Asn (NM_001406797.1, NM_001406801.1, NM_001406805.1 and 10 more transcripts); c.2475G>T, p.Lys825Asn (NM_001406799.1, NM_001406806.1, NM_001406807.1); c.2922G>T, p.Lys974Asn (NM_001406804.1); c.3006G>T, p.Lys1002Asn (NM_001406813.1); and 2 more; short protein forms K315N, K698N, K870N, K901N, K1002N, K1032N, K825N, K944N.
Identifiers: ClinVar variation 1798696 (VCV001798696.7), dbSNP rs756868452, ClinGen allele CA069953.
Genomic context (GRCh38, chr2:47,800,983, plus strand): 5'-AATTCCTGAGAATTTCACCACTCGCAATTTGCCAGAAGAATACGAGTTGAAATCTACCAA[G>T]AAGGGCTGTAAACGATACTGGACCAAAACTATTGAAAAGAAGTTGGCTAATCTCATAAAT-3'
Protein context (NP_000170.1, residues 990-1010): LPEEYELKST[Lys1000Asn]KGCKRYWTKT

ClinVar aggregate classification (germline): Conflicting classifications of pathogenicity. Review status: criteria provided, conflicting classifications (1 of 4 stars). 2 submissions from 2 submitters: Uncertain significance (1); Likely benign (1). Last evaluated 2025-11-17.

Conditions:
Hereditary nonpolyposis colorectal neoplasms. Identifiers: MedGen C0009405, MeSH D003123.
Hereditary cancer-predisposing syndrome. Also called: Neoplastic Syndromes, Hereditary; Tumor predisposition; Hereditary Cancer Syndrome; Hereditary neoplastic syndrome. Identifiers: Orphanet 140162, MedGen C0027672, MeSH D009386, MONDO:0015356.

Allele frequency attached by ClinVar (database versions not stated): gnomAD exomes below 0.00001; ExAC 0.00002.
gnomAD v4.1: 2 of 1,561,490 alleles (0.00013%); highest among the groups gnomAD compares: Non-Finnish European, 0.00017%; no homozygotes.

Submissions (2):

Labcorp Genetics (formerly Invitae), Labcorp
Classification: Likely benign for Hereditary nonpolyposis colorectal neoplasms. Last evaluated: 2025-11-17. Review status: criteria provided, single submitter. Criteria: Invitae Variant Classification Sherloc (09022015). Collection method: clinical testing. Allele origin: germline.

Ambry Genetics
Classification: Uncertain significance for Hereditary cancer-predisposing syndrome. Last evaluated: 2021-06-16. Review status: criteria provided, single submitter. Criteria: Ambry Variant Classification Scheme 2023. Collection method: clinical testing. Allele origin: germline.
Comment: The p.K1000N variant (also known as c.3000G>T), located in coding exon 4 of the MSH6 gene, results from a G to T substitution at nucleotide position 3000. The lysine at codon 1000 is replaced by asparagine, an amino acid with similar properties. This amino acid position is highly conserved in available vertebrate species. In addition, the in silico prediction for this alteration is inconclusive. Since supporting evidence is limited at this time, the clinical significance of this alteration remains unclear.